The following is an entry in ClinVar:

ClinVar aggregate classification (germline): Conflicting classifications of pathogenicity. Review status: criteria provided, conflicting classifications (1 of 4 stars). 3 submissions from 3 submitters: Uncertain significance (2); Likely benign (1). Last evaluated 2025-12-21.

Conditions:
Inborn genetic diseases. Identifiers: MedGen C0950123, MeSH D030342.
Congenital myopathy with internal nuclei and atypical cores. Also called: Myopathy, centronuclear, 4. Identifiers: Orphanet 319160, MedGen C4707232, MONDO:0013890, OMIM 614807.

Allele frequency attached by ClinVar (database versions not stated): gnomAD exomes 0.00002 and 0.00004; ExAC 0.00007.
gnomAD v4.1: 39 of 1,602,186 alleles (0.0024%); highest among the groups gnomAD compares: South Asian, 0.022%; no homozygotes.

Submissions (3):

Labcorp Genetics (formerly Invitae), Labcorp
Classification: Uncertain significance for Congenital myopathy with internal nuclei and atypical cores. Last evaluated: 2025-12-21. Review status: criteria provided, single submitter. Criteria: Invitae Variant Classification Sherloc (09022015). Collection method: clinical testing. Allele origin: germline.
Comment: This sequence change replaces glycine, which is neutral and non-polar, with serine, which is neutral and polar, at codon 353 of the CCDC78 protein (p.Gly353Ser). This variant is present in population databases (rs754906673, gnomAD 0.02%). This variant has not been reported in the literature in individuals affected with CCDC78-related conditions. ClinVar contains an entry for this variant (Variation ID: 1349222). Invitae Evidence Modeling of protein sequence and biophysical properties (such as structural, functional, and spatial information, amino acid conservation, physicochemical variation, residue mobility, and thermodynamic stability) indicates that this missense variant is not expected to disrupt CCDC78 protein function with a negative predictive value of 80%. In summary, the available evidence is currently insufficient to determine the role of this variant in disease. Therefore, it has been classified as a Variant of Uncertain Significance.

Ambry Genetics
Classification: Uncertain significance for Inborn genetic diseases. Last evaluated: 2025-09-25. Review status: criteria provided, single submitter. Criteria: Ambry Variant Classification Scheme 2023. Collection method: clinical testing. Allele origin: germline.

Laboratory of Genetics, Children's Clinical University Hospital Latvia
Classification: Likely benign. Last evaluated: 2025-02-16. Review status: criteria provided, single submitter. Criteria: ACMG Guidelines, 2015. Collection method: clinical testing. Allele origin: germline. Affected: yes.

NM_001378030.1(CCDC78):c.1057G>A (p.Gly353Ser)

Gene: CCDC78 (coiled-coil domain containing 78; minus strand). Cytogenetic location: 16p13.3.
Variant type: single nucleotide variant.
Coding change: c.1057G>A on transcript NM_001378030.1 (MANE Select); coding-DNA position 1057, G replaced by A.
Protein change: p.Gly353Ser; replaces glycine 353 with serine.
Molecular consequence: missense variant. On other transcripts: non-coding transcript variant (5), intron variant (1).
Genome position (GRCh38, 1-based): chr16:723,933, C>T on the plus strand (G>A on the coding strand, the complement: CCDC78 is on the minus strand). VCF-style: chr16-723933-C-T. GRCh37 (hg19) VCF-style: chr16-773933-C-T.
Other names: c.1057G>A (NM_001031737.2); c.1057G>A, p.Gly353Ser (NM_001031737.3); c.490G>A, p.Gly164Ser (NM_001378033.1); c.953+389G>A (NM_001378031.1); short protein forms G164S, G353S.
Identifiers: ClinVar variation 1349222 (VCV001349222.10), dbSNP rs754906673, ClinGen allele CA7789271.